The following is an entry in ClinVar:

NM_025114.4(CEP290):c.7034G>C (p.Arg2345Thr)

Gene: CEP290 (centrosomal protein 290; minus strand). Cytogenetic location: 12q21.32.
Variant type: single nucleotide variant.
Coding change: c.7034G>C on transcript NM_025114.4 (MANE Select); coding-DNA position 7034, G replaced by C.
Protein change: p.Arg2345Thr; replaces arginine 2345 with threonine.
Molecular consequence: missense variant.
Genome position (GRCh38, 1-based): chr12:88,054,340, C>G on the plus strand (G>C on the coding strand, the complement: CEP290 is on the minus strand). VCF-style: chr12-88054340-C-G. GRCh37 (hg19) VCF-style: chr12-88448117-C-G.
Other names: short protein forms R2345T.
Identifiers: ClinVar variation 4996059 (VCV004996059.1).

ClinVar aggregate classification (germline): Likely pathogenic (1 of 4 stars; one submission).

Conditions:
CEP290-related disorder. Also called: CEP290-related condition; CEP290-related disorders. Identifiers: MedGen CN239314.

Submission:

PreventionGenetics, part of Exact Sciences
Classification: Likely pathogenic for CEP290-related condition. Last evaluated: 2025-12-08. Review status: criteria provided, single submitter. Criteria: ACMG Guidelines, 2015. Collection method: clinical testing. Allele origin: germline.
Comment: The CEP290 c.7034G>C variant is predicted to result in the amino acid substitution p.Arg2345Thr. This variant affects the last nucleotide in exon 51 and is predicted to decrease the strength of the canonical splice donor site (SpliceAI, Jaganathan et al. 2019. PubMed ID: 30661751); however, the use of computer prediction programs is not equivalent to functional evidence. To our knowledge, this variant has not been reported in the literature. This variant is absent in a large population database (gnomAD), indicating this variant is rare. This variant is interpreted as likely pathogenic.